The following is an entry in ClinVar:

ClinVar aggregate classification (germline): Benign/Likely benign. Review status: criteria provided, multiple submitters, no conflicts (2 of 4 stars). 5 submissions from 5 submitters: Benign (1); Likely benign (2). 2 of the submissions do not count toward it. Last evaluated 2024-05-02.

Allele frequency attached by ClinVar (database versions not stated): gnomAD exomes 0.00006 and 0.00021; ExAC 0.00025; 1000 Genomes Project 30x 0.00047; 1000 Genomes Project 0.00060; TOPMed 0.00072; gnomAD 0.00073 and 0.00080; ESP Exome Variant Server 0.00077.

Submissions (5):

Blueprint Genetics
Classification: Likely benign. Last evaluated: 2024-05-02. Review status: criteria provided, single submitter. Criteria: ACMG Guidelines, 2015. Collection method: clinical testing. Allele origin: germline.

Labcorp Genetics (formerly Invitae), Labcorp
Classification: Benign. Last evaluated: 2020-07-23. Review status: criteria provided, single submitter. Criteria: Invitae Variant Classification Sherloc (09022015). Collection method: clinical testing. Allele origin: germline.

Laboratory for Molecular Medicine, Mass General Brigham Personalized Medicine
Classification: Likely benign. Last evaluated: 2012-04-30. Review status: criteria provided, single submitter. Criteria: LMM Criteria. Collection method: clinical testing. Allele origin: germline. Observed: 1 variant allele.
Comment: 2184+10T>C in Intron 20 of USH1C: This variant is not expected to have clinical significance because it is not located within the conserved splice consensus seq uence and has been identified in 0.3% (10/3738) of African American chromosomes from a broad population by the NHLBI Exome Sequencing Project.

Clinical Genetics DNA and cytogenetics Diagnostics Lab, Erasmus MC, Erasmus Medical Center
Classification: Likely benign. Review status: no assertion criteria provided. Collection method: clinical testing. Allele origin: germline. Affected: yes. Study: VKGL Data-share Consensus. Not counted in ClinVar's aggregate classification.

Clinical Genetics, Academic Medical Center
Classification: Benign. Review status: no assertion criteria provided. Collection method: clinical testing. Allele origin: germline. Affected: yes. Study: VKGL Data-share Consensus. Not counted in ClinVar's aggregate classification.

NM_153676.4(USH1C):c.2184+10T>C

Gene: USH1C (USH1 protein network component harmonin; minus strand). Cytogenetic location: 11p15.1.
Variant type: single nucleotide variant.
Coding change: c.2184+10T>C on transcript NM_153676.4 (MANE Select); 10 bases into the intron after coding-DNA position 2184, T replaced by C.
Molecular consequence: intron variant.
Genome position (GRCh38, 1-based): chr11:17,504,637, A>G on the plus strand (T>C on the coding strand, the complement: USH1C is on the minus strand). VCF-style: chr11-17504637-A-G. GRCh37 (hg19) VCF-style: chr11-17526184-A-G.
Other names: c.1228-2657T>C (NM_001297764.2); c.1285-2657T>C (NM_005709.4).
Identifiers: ClinVar variation 178565 (VCV000178565.17), dbSNP rs200889109, ClinGen allele CA182571.